The following is an entry in ClinVar:

NM_000426.4(LAMA2):c.4819_4825del (p.Lys1607fs)

Gene: LAMA2 (laminin subunit alpha 2; plus strand). Cytogenetic location: 6q22.33.
Variant type: Deletion.
Coding change: c.4819_4825del on transcript NM_000426.4 (MANE Select); coding-DNA positions 4819 to 4825, 7 bases deleted (AAAATGC; older notation c.4819_4825delAAAATGC).
Protein change: p.Lys1607fs; shifts the reading frame from lysine 1607.
Molecular consequence: frameshift variant.
Genome position (GRCh38, 1-based): chr6:129,366,320-129,366,326, AAAATGC deleted. VCF-style (leftmost placement, unchanged base first): chr6-129366319-TAAAATGC-T. GRCh37 (hg19) VCF-style: chr6-129687464-TAAAATGC-T.
Other names: c.4819_4825del, p.Lys1607fs (NM_001079823.2); short protein forms K1607fs.
Identifiers: ClinVar variation 1726549 (VCV001726549.3), dbSNP rs2482627236, ClinGen allele CA2580074953.

ClinVar aggregate classification (germline): Likely pathogenic (1 of 4 stars; one submission).

Conditions:
LAMA2-related muscular dystrophy (LAMA2-RD). Also called: Laminin alpha 2-related dystrophy. Identifiers: MedGen C5679788, MONDO:0100228.

Submission:

Myriad Genetics, Inc.
Classification: Likely pathogenic for LAMA2-related muscular dystrophy. Last evaluated: 2021-12-21. Review status: criteria provided, single submitter. Criteria: Myriad Autosomal Dominant, Autosomal Recessive and X-Linked Classification Criteria (2023). Collection method: clinical testing. Allele origin: unknown.
Comment: NM_000426.3(LAMA2):c.4819_4825del7(K1607Cfs*7) is expected to be pathogenic in the context of muscular dystrophy, LAMA2-related. This variant is predicted to lead to an abnormal or absent protein product due to the creation of a premature termination codon in LAMA2, a gene where loss-of-function variants are known to be pathogenic. Please note: this variant was assessed in the context of healthy population screening.